The following is an entry in ClinVar:

NM_003737.4(DCHS1):c.6832C>T (p.Pro2278Ser)

Gene: DCHS1 (dachsous cadherin-related 1; minus strand). Cytogenetic location: 11p15.4.
Variant type: single nucleotide variant.
Coding change: c.6832C>T on transcript NM_003737.4 (MANE Select); coding-DNA position 6832, C replaced by T.
Protein change: p.Pro2278Ser; replaces proline 2278 with serine.
Molecular consequence: missense variant.
Genome position (GRCh38, 1-based): chr11:6,625,627, G>A on the plus strand (C>T on the coding strand, the complement: DCHS1 is on the minus strand). VCF-style: chr11-6625627-G-A. GRCh37 (hg19) VCF-style: chr11-6646858-G-A.
Other names: short protein forms P2278S.
Identifiers: ClinVar variation 2902556 (VCV002902556.3), dbSNP rs749651000, ClinGen allele CA5859758.

ClinVar aggregate classification (germline): Uncertain significance (1 of 4 stars; one submission).

Allele frequency attached by ClinVar (database versions not stated): TOPMed 0.00001; gnomAD exomes 0.00002; gnomAD 0.00001; ExAC 0.00001.
gnomAD v4.1: 30 of 1,613,510 alleles (0.0019%); highest among the groups gnomAD compares: Non-Finnish European, 0.0025%; no homozygotes.

Submission:

Labcorp Genetics (formerly Invitae), Labcorp
Classification: Uncertain significance. Last evaluated: 2025-08-14. Review status: criteria provided, single submitter. Criteria: Invitae Variant Classification Sherloc (09022015). Collection method: clinical testing. Allele origin: germline.
Comment: This sequence change replaces proline, which is neutral and non-polar, with serine, which is neutral and polar, at codon 2278 of the DCHS1 protein (p.Pro2278Ser). This variant is present in population databases (rs749651000, gnomAD 0.002%). This variant has not been reported in the literature in individuals affected with DCHS1-related conditions. ClinVar contains an entry for this variant (Variation ID: 2902556). Invitae Evidence Modeling of protein sequence and biophysical properties (such as structural, functional, and spatial information, amino acid conservation, physicochemical variation, residue mobility, and thermodynamic stability) indicates that this missense variant is not expected to disrupt DCHS1 protein function with a negative predictive value of 80%. In summary, the available evidence is currently insufficient to determine the role of this variant in disease. Therefore, it has been classified as a Variant of Uncertain Significance.